The following is an entry in ClinVar:

NM_025099.6(CTC1):c.2714G>C (p.Arg905Pro)

Gene: CTC1 (CST telomere replication complex component 1; minus strand). Cytogenetic location: 17p13.1.
Variant type: single nucleotide variant.
Coding change: c.2714G>C on transcript NM_025099.6 (MANE Select); coding-DNA position 2714, G replaced by C.
Protein change: p.Arg905Pro; replaces arginine 905 with proline.
Molecular consequence: missense variant. On other transcripts: non-coding transcript variant (1).
Genome position (GRCh38, 1-based): chr17:8,230,607, C>G on the plus strand (G>C on the coding strand, the complement: CTC1 is on the minus strand). VCF-style: chr17-8230607-C-G. GRCh37 (hg19) VCF-style: chr17-8133925-C-G.
Other names: c.2714G>C, p.Arg905Pro (NM_001411067.1); short protein forms R905P.
Identifiers: ClinVar variation 4293579 (VCV004293579.1).
Genomic context (GRCh38, chr17:8,230,607, plus strand): 5'-AAGGAAGGGTCATTACCCAGTTTCATCCAGAGAGACGCCACAAGGGGTTCACATAGTGTC[C>G]GTGACAAAATCTCAGCGGAGAAAGACACCAAGGAATCTGTGAAACTGGAAGGTCAGGGAA-3'
Protein context (NP_079375.3, residues 895-915): LVSFSAEILS[Arg905Pro]TLCEPLVASL

ClinVar aggregate classification (germline): Uncertain significance (1 of 4 stars; one submission).

Conditions:
Cerebroretinal microangiopathy with calcifications and cysts 1 (CRMCC1). Identifiers: Orphanet 313838, MedGen C4552029, MONDO:0024564, OMIM 612199.

Submission:

3billion
Classification: Uncertain significance for Cerebroretinal microangiopathy with calcifications and cysts 1. Last evaluated: 2024-06-12. Review status: criteria provided, single submitter. Criteria: ACMG Guidelines, 2015. Collection method: clinical testing. Allele origin: germline. Affected: yes.
Comment: The variant is not observed in the gnomAD v4.0.0 dataset. Predicted Consequence/Location: The majority of the known disease-causing variants of this gene are variants expected to result in premature termination of the protein. In silico tool predictions suggest damaging effect of the variant on gene or gene product [REVEL: 0.81 (>=0.6, sensitivity 0.68 and specificity 0.92); 3Cnet: 0.72 (>=0.6, sensitivity 0.72 and precision 0.9)]. Therefore, this variant is classified as VUS according to the recommendation of ACMG/AMP guideline.